The following is an entry in ClinVar:

ClinVar aggregate classification (germline): Uncertain significance (1 of 4 stars; one submission).

Conditions:
Hereditary spastic paraplegia 30. Identifiers: Orphanet 101010, MedGen C5235139, MONDO:0012476.
Neuropathy, hereditary sensory, type 2C. Also called: Hereditary sensory and autonomic neuropathy type IIC; KIF1A-Related HSAN2 (HSAN2C). Identifiers: Orphanet 970, MedGen C3280168, MONDO:0013634, OMIM 614213.
Intellectual disability, autosomal dominant 9 (NESCAVS). Also called: NESCAV SYNDROME; KIF1A-Related Neurodevelopmental Disorder. Identifiers: Orphanet 662367, MedGen C5393830, MONDO:0013656, OMIM 614255.

Allele frequency attached by ClinVar (database versions not stated): gnomAD exomes below 0.00001; TOPMed below 0.00001; gnomAD 0.00001.
gnomAD v4.1: 5 of 1,613,780 alleles (0.00031%); highest among the groups gnomAD compares: Non-Finnish European, 0.00034%; no homozygotes.

Submission:

Labcorp Genetics (formerly Invitae), Labcorp
Classification: Uncertain significance for Hereditary spastic paraplegia 30; Neuropathy, hereditary sensory, type 2C; Intellectual disability, autosomal dominant 9. Last evaluated: 2022-09-29. Review status: criteria provided, single submitter. Criteria: Invitae Variant Classification Sherloc (09022015). Collection method: clinical testing. Allele origin: germline.
Comment: In summary, the available evidence is currently insufficient to determine the role of this variant in disease. Therefore, it has been classified as a Variant of Uncertain Significance. Advanced modeling of protein sequence and biophysical properties (such as structural, functional, and spatial information, amino acid conservation, physicochemical variation, residue mobility, and thermodynamic stability) performed at Invitae indicates that this missense variant is expected to disrupt KIF1A protein function. This variant has not been reported in the literature in individuals affected with KIF1A-related conditions. This variant is not present in population databases (gnomAD no frequency). This sequence change replaces arginine, which is basic and polar, with glutamine, which is neutral and polar, at codon 378 of the KIF1A protein (p.Arg378Gln).

NM_001244008.2(KIF1A):c.1133G>A (p.Arg378Gln)

Gene: KIF1A (kinesin family member 1A; minus strand). Cytogenetic location: 2q37.3.
Variant type: single nucleotide variant.
Coding change: c.1133G>A on transcript NM_001244008.2 (MANE Select); coding-DNA position 1133, G replaced by A.
Protein change: p.Arg378Gln; replaces arginine 378 with glutamine.
Molecular consequence: missense variant.
Genome position (GRCh38, 1-based): chr2:240,773,161, C>T on the plus strand (G>A on the coding strand, the complement: KIF1A is on the minus strand). VCF-style: chr2-240773161-C-T. GRCh37 (hg19) VCF-style: chr2-241712578-C-T.
Other names: c.1133G>A, p.Arg378Gln (NM_001320705.2, NM_001330289.2, NM_001330290.2 and 21 more transcripts); short protein forms R378Q.
Identifiers: ClinVar variation 2011675 (VCV002011675.4), dbSNP rs1437914316, ClinGen allele CA351295231.